The following is an entry in ClinVar:

NM_032380.5(GFM2):c.1196T>C (p.Ile399Thr)

Gene: GFM2 (GTP dependent ribosome recycling factor mitochondrial 2; minus strand). Cytogenetic location: 5q13.3.
Variant type: single nucleotide variant.
Coding change: c.1196T>C on transcript NM_032380.5 (MANE Select); coding-DNA position 1196, T replaced by C.
Protein change: p.Ile399Thr; replaces isoleucine 399 with threonine.
Molecular consequence: missense variant. On other transcripts: non-coding transcript variant (1), intron variant (1).
Genome position (GRCh38, 1-based): chr5:74,738,526, A>G on the plus strand (T>C on the coding strand, the complement: GFM2 is on the minus strand). VCF-style: chr5-74738526-A-G. GRCh37 (hg19) VCF-style: chr5-74034351-A-G.
Other names: p.Ile399Thr; c.1292T>C, p.Ile431Thr (NM_001281302.2); c.1196T>C, p.Ile399Thr (NM_170681.3); c.1080-109T>C (NM_170691.3); short protein forms I399T, I431T.
Identifiers: ClinVar variation 1320344 (VCV001320344.8), dbSNP rs143233751, ClinGen allele CA3306597.

ClinVar aggregate classification (germline): Conflicting classifications of pathogenicity. Review status: criteria provided, conflicting classifications (1 of 4 stars). 4 submissions from 4 submitters: Uncertain significance (3); Likely benign (1). Last evaluated 2025-05-20.

Allele frequency attached by ClinVar (database versions not stated): gnomAD 0.00007 and 0.00013; TOPMed 0.00014; gnomAD exomes 0.00015 and 0.00030; ExAC 0.00037; 1000 Genomes Project 30x 0.00047; 1000 Genomes Project 0.00060.
gnomAD v4.1: 231 of 1,613,390 alleles (0.014%); highest among the groups gnomAD compares: East Asian, 0.49%; 1 homozygote.

Submissions (4):

Labcorp Genetics (formerly Invitae), Labcorp
Classification: Likely benign. Last evaluated: 2025-05-20. Review status: criteria provided, single submitter. Criteria: Invitae Variant Classification Sherloc (09022015). Collection method: clinical testing. Allele origin: germline.

GeneDx
Classification: Uncertain significance. Last evaluated: 2023-12-04. Review status: criteria provided, single submitter. Criteria: GeneDx Variant Classification Process June 2021. Collection method: clinical testing. Allele origin: germline. Affected: yes.
Comment: In silico analysis supports that this missense variant has a deleterious effect on protein structure/function; Has not been previously published as pathogenic or benign to our knowledge

Mayo Clinic Laboratories, Mayo Clinic
Classification: Uncertain significance. Last evaluated: 2023-09-28. Review status: criteria provided, single submitter. Criteria: ACMG Guidelines, 2015. Collection method: clinical testing. Allele origin: germline. Observed: 1 variant allele.
Comment: BS1

Blueprint Genetics
Classification: Uncertain significance. Last evaluated: 2021-03-29. Review status: criteria provided, single submitter. Criteria: ACMG Guidelines, 2015. Collection method: clinical testing. Allele origin: germline.